The following is an entry in ClinVar:

NM_000080.4(CHRNE):c.1332del (p.Ser445fs)

Gene: CHRNE (cholinergic receptor nicotinic epsilon subunit; minus strand). Cytogenetic location: 17p13.2.
Variant type: Deletion.
Coding change: c.1332del on transcript NM_000080.4 (MANE Select); coding-DNA position 1332, one base deleted (G; older notation c.1332delG).
Protein change: p.Ser445fs; shifts the reading frame from serine 445.
Molecular consequence: frameshift variant.
Genome position (GRCh38, 1-based): chr17:4,898,886, C deleted on the plus strand (G on the coding strand, the reverse complement: CHRNE is on the minus strand). VCF-style (leftmost placement, unchanged base first): chr17-4898885-AC-A. GRCh37 (hg19) VCF-style: chr17-4802180-AC-A.
Other names: short protein forms S445fs.
Identifiers: ClinVar variation 2033252 (VCV002033252.4), dbSNP rs2509299907, ClinGen allele CA2580093524.

ClinVar aggregate classification (germline): Pathogenic (1 of 4 stars; one submission).

Conditions:
Congenital myasthenic syndrome 4A. Also called: Myasthenic syndrome, congenital, 4a, slow-channel; MYASTHENIC SYNDROME, CONGENITAL, 4A, SLOW-CHANNEL, AUTOSOMAL RECESSIVE; CONGENITAL MYASTHENIC SYNDROME TYPE Ia1. Identifiers: Orphanet 590, MedGen C4225413, MONDO:0011600, OMIM 605809.

Submission:

Labcorp Genetics (formerly Invitae), Labcorp
Classification: Pathogenic for Congenital myasthenic syndrome 4A. Last evaluated: 2022-11-11. Review status: criteria provided, single submitter. Criteria: Invitae Variant Classification Sherloc (09022015). Collection method: clinical testing. Allele origin: germline.
Comment: This sequence change results in a frameshift in the CHRNE gene (p.Ser445Profs*62). While this is not anticipated to result in nonsense mediated decay, it is expected to disrupt the last 49 amino acid(s) of the CHRNE protein and extend the protein by 12 additional amino acid residues. This variant is not present in population databases (gnomAD no frequency). This variant has not been reported in the literature in individuals affected with CHRNE-related conditions. This variant disrupts a region of the CHRNE protein in which other variant(s) (p.Asn452Glufs*4) have been determined to be pathogenic (PMID: 8957026, 21175599, 29054425). This suggests that this is a clinically significant region of the protein, and that variants that disrupt it are likely to be disease-causing. For these reasons, this variant has been classified as Pathogenic.

Literature cited by the submitters: PubMed 8957026; PubMed 21175599; PubMed 29054425.